The following is an entry in ClinVar:

NM_000110.4(DPYD):c.218T>G (p.Leu73Arg)

Gene: DPYD (dihydropyrimidine dehydrogenase; minus strand). Cytogenetic location: 1p21.3.
Variant type: single nucleotide variant.
Coding change: c.218T>G on transcript NM_000110.4 (MANE Select); coding-DNA position 218, T replaced by G.
Protein change: p.Leu73Arg; replaces leucine 73 with arginine.
Molecular consequence: missense variant.
Genome position (GRCh38, 1-based): chr1:97,828,129, A>C on the plus strand (T>G on the coding strand, the complement: DPYD is on the minus strand). VCF-style: chr1-97828129-A-C. GRCh37 (hg19) VCF-style: chr1-98293685-A-C.
Other names: c.218T>G, p.Leu73Arg (NM_001160301.1); short protein forms L73R.
Identifiers: ClinVar variation 1787404 (VCV001787404.3), dbSNP rs762102298, ClinGen allele CA963765.
Genomic context (GRCh38, chr1:97,828,129, plus strand): 5'-TTCTTTACCACATCTGTGACTGTTGCTATGGTGACCCAGACTTACCTCATTGCTTCTCGG[A>C]GAGCTCCTCGCTCACCAAGAGTCGTGTGCTTGATGTCATCAAAATTATTCTCCAGCTTCT-3'
Protein context (NP_000101.2, residues 63-83): KHTTLGERGA[Leu73Arg]REAMRCLKCA

ClinVar aggregate classification (germline): Uncertain significance. Review status: criteria provided, multiple submitters, no conflicts (2 of 4 stars). 2 submissions from 2 submitters: Uncertain significance (2). Last evaluated 2024-02-08.

Conditions:
Inborn genetic diseases. Identifiers: MedGen C0950123, MeSH D030342.

Allele frequency attached by ClinVar (database versions not stated): gnomAD 0.00001; TOPMed 0.00002; ExAC 0.00003.
gnomAD v4.1: 9 of 1,613,598 alleles (0.00056%); highest among the groups gnomAD compares: Middle Eastern, 0.016%; no homozygotes.

Submissions (2):

Blueprint Genetics
Classification: Uncertain significance. Last evaluated: 2024-02-08. Review status: criteria provided, single submitter. Criteria: ACMG Guidelines, 2015. Collection method: clinical testing. Allele origin: germline.

Ambry Genetics
Classification: Uncertain significance for Inborn genetic diseases. Last evaluated: 2022-08-24. Review status: criteria provided, single submitter. Criteria: Ambry Variant Classification Scheme 2023. Collection method: clinical testing. Allele origin: germline.
Comment: The p.L73R variant (also known as c.218T>G), located in coding exon 3 of the DPYD gene, results from a T to G substitution at nucleotide position 218. The leucine at codon 73 is replaced by arginine, an amino acid with dissimilar properties. This amino acid position is conserved. In addition, this alteration is predicted to be deleterious by in silico analysis. Since supporting evidence is limited at this time, the clinical significance of this alteration remains unclear.